The following is an entry in ClinVar:

NC_000017.10:g.(?_29422318)_(29701183_?)dup

Genes: EVI2A (ecotropic viral integration site 2A; minus strand), EVI2B (ecotropic viral integration site 2B; minus strand), MIR4733HG (MIR4733 host gene; minus strand), NF1 (neurofibromin 1; plus strand), OMG (oligodendrocyte myelin glycoprotein; minus strand) and 10 more. Cytogenetic location: 17q11.2.
Variant type: Duplication.
Identifiers: ClinVar variation 583654 (VCV000583654.2).

ClinVar aggregate classification (germline): Uncertain significance (1 of 4 stars; one submission).

Conditions:
Neurofibromatosis, type 1 (NF1). Also called: Peripheral type neurofibromatosis; VON RECKLINGHAUSEN DISEASE; NEUROFIBROMATOSIS, TYPE I, SOMATIC; Neurofibromatosis, type I. Identifiers: Orphanet 636, MedGen C0027831, MONDO:0018975, OMIM 162200. Disease mechanism: loss of function.

Submission:

Labcorp Genetics (formerly Invitae), Labcorp
Classification: Uncertain significance for Neurofibromatosis, type 1. Last evaluated: 2019-07-09. Review status: criteria provided, single submitter. Criteria: Invitae Variant Classification Sherloc (09022015). Collection method: clinical testing. Allele origin: germline.
Comment: This variant results in a copy number gain of the genomic region encompassing the full coding sequence of the NF1 gene. The boundaries of this event are unknown as they extend beyond the assayed region for this gene and therefore may encompass additional genes. As the precise location of this event is unknown, it may be in tandem or it may be located elsewhere in the genome. While a whole gene duplication of NF1 alone has not been reported in the literature in individuals with NF1-related disease, microduplications spanning NF1 and the surrounding genomic region have been reported in individuals with variable developmental delay, intellectual disability, and a distinct absence of neurofibromas (PMID: 25205021, 22241097, 18183042, 27629806). These large multigenic duplications in NF1 appear to segregate with disease in several families although a few unaffected carriers have also been observed (PMID: 18183042, 22241097, 25205021). In summary, the available evidence is currently insufficient to determine the role of this variant in disease. Therefore, it has been classified as a Variant of Uncertain Significance.

Literature cited by the submitters: PubMed 25205021; PubMed 18183042; PubMed 22241097; PubMed 27629806.